The following is an entry in ClinVar:

ClinVar aggregate classification (germline): Pathogenic (1 of 4 stars; one submission).

Allele frequency attached by ClinVar (database versions not stated): TOPMed below 0.00001.
gnomAD v4.1: 1 of 1,563,226 alleles (0.000064%); highest among the groups gnomAD compares: African/African-American, 0.0014%; no homozygotes.

Submission:

Labcorp Genetics (formerly Invitae), Labcorp
Classification: Pathogenic. Last evaluated: 2023-12-12. Review status: criteria provided, single submitter. Criteria: Invitae Variant Classification Sherloc (09022015). Collection method: clinical testing. Allele origin: germline.
Comment: This sequence change creates a premature translational stop signal (p.Trp915*) in the TMPRSS15 gene. It is expected to result in an absent or disrupted protein product. Loss-of-function variants in TMPRSS15 are known to be pathogenic (PMID: 11719902). This variant is not present in population databases (gnomAD no frequency). This variant has not been reported in the literature in individuals affected with TMPRSS15-related conditions. For these reasons, this variant has been classified as Pathogenic.

Literature cited by the submitters: PubMed 11719902.

NM_002772.3(TMPRSS15):c.2744G>A (p.Trp915Ter)

Gene: TMPRSS15 (transmembrane serine protease 15; minus strand). Cytogenetic location: 21q21.1.
Variant type: single nucleotide variant.
Coding change: c.2744G>A on transcript NM_002772.3 (MANE Select); coding-DNA position 2744, G replaced by A.
Protein change: p.Trp915Ter; replaces tryptophan 915 with a stop codon.
Molecular consequence: nonsense.
Genome position (GRCh38, 1-based): chr21:18,278,984, C>T on the plus strand (G>A on the coding strand, the complement: TMPRSS15 is on the minus strand). VCF-style: chr21-18278984-C-T. GRCh37 (hg19) VCF-style: chr21-19651301-C-T.
Other names: short protein forms W915*.
Identifiers: ClinVar variation 2692830 (VCV002692830.3), dbSNP rs1158375704, ClinGen allele CA409847645.